The following is an entry in ClinVar:

ClinVar aggregate classification (germline): Uncertain significance. Review status: criteria provided, multiple submitters, no conflicts (2 of 4 stars). 2 submissions from 2 submitters: Uncertain significance (2). Last evaluated 2021-04-23.

Conditions:
Hereditary cancer-predisposing syndrome. Also called: Hereditary neoplastic syndrome; Neoplastic Syndromes, Hereditary; Tumor predisposition; Hereditary Cancer Syndrome. Identifiers: Orphanet 140162, MedGen C0027672, MeSH D009386, MONDO:0015356.
Familial adenomatous polyposis 1 (FAP1). Also called: FAMILIAL ADENOMATOUS POLYPOSIS 1, ATTENUATED; POLYPOSIS, ADENOMATOUS INTESTINAL. Identifiers: MedGen C2713442, MONDO:0021056, OMIM 175100. Disease mechanism: loss of function.

Submissions (2):

Ambry Genetics
Classification: Uncertain significance for Hereditary cancer-predisposing syndrome. Last evaluated: 2021-04-23. Review status: criteria provided, single submitter. Criteria: Ambry Variant Classification Scheme 2023. Collection method: clinical testing. Allele origin: germline.
Comment: The p.D1083G variant (also known as c.3248A>G), located in coding exon 15 of the APC gene, results from an A to G substitution at nucleotide position 3248. The aspartic acid at codon 1083 is replaced by glycine, an amino acid with similar properties. This amino acid position is well conserved in available vertebrate species. In addition, in silico predictors for this gene do not accurately predict pathogenicity. Since supporting evidence is limited at this time, the clinical significance of this alteration remains unclear.

Labcorp Genetics (formerly Invitae), Labcorp
Classification: Uncertain significance for Familial adenomatous polyposis 1. Last evaluated: 2019-04-08. Review status: criteria provided, single submitter. Criteria: Invitae Variant Classification Sherloc (09022015). Collection method: clinical testing. Allele origin: germline.
Comment: In summary, the available evidence is currently insufficient to determine the role of this variant in disease. Therefore, it has been classified as a Variant of Uncertain Significance. Algorithms developed to predict the effect of sequence changes on RNA splicing suggest that this variant may create or strengthen a splice site, but this prediction has not been confirmed by published transcriptional studies. Algorithms developed to predict the effect of missense changes on protein structure and function (SIFT, PolyPhen-2, Align-GVGD) all suggest that this variant is likely to be tolerated, but these predictions have not been confirmed by published functional studies and their clinical significance is uncertain. This variant has not been reported in the literature in individuals with APC-related conditions. This variant is not present in population databases (ExAC no frequency). This sequence change replaces aspartic acid with glycine at codon 1083 of the APC protein (p.Asp1083Gly). The aspartic acid residue is highly conserved and there is a moderate physicochemical difference between aspartic acid and glycine.

NM_000038.6(APC):c.3248A>G (p.Asp1083Gly)

Gene: APC (APC regulator of Wnt signaling pathway; plus strand). Cytogenetic location: 5q22.2.
Variant type: single nucleotide variant.
Coding change: c.3248A>G on transcript NM_000038.6 (MANE Select); coding-DNA position 3248, A replaced by G.
Protein change: p.Asp1083Gly; replaces aspartic acid 1083 with glycine.
Molecular consequence: missense variant.
Genome position (GRCh38, 1-based): chr5:112,838,842, A>G. VCF-style: chr5-112838842-A-G. GRCh37 (hg19) VCF-style: chr5-112174539-A-G.
Other names: c.3248A>G, p.Asp1083Gly (NM_001127510.3, NM_001354895.2); c.3194A>G, p.Asp1065Gly (NM_001127511.3); c.3302A>G, p.Asp1101Gly (NM_001354896.2); c.3278A>G, p.Asp1093Gly (NM_001354897.2); c.3173A>G, p.Asp1058Gly (NM_001354898.2); c.3164A>G, p.Asp1055Gly (NM_001354899.2); c.3125A>G, p.Asp1042Gly (NM_001354900.2); c.3071A>G, p.Asp1024Gly (NM_001354901.2); and 5 more; short protein forms D957G, D1058G, D1083G, D923G, D1024G, D1093G, D1101G, D992G.
Identifiers: ClinVar variation 948365 (VCV000948365.13), dbSNP rs1765373852, ClinGen allele CA16028458.